The following is an entry in ClinVar:

NM_001035.3(RYR2):c.3134C>A (p.Ser1045Tyr)

Gene: RYR2 (ryanodine receptor 2; plus strand). Cytogenetic location: 1q43.
Variant type: single nucleotide variant.
Coding change: c.3134C>A on transcript NM_001035.3 (MANE Select); coding-DNA position 3134, C replaced by A.
Protein change: p.Ser1045Tyr; replaces serine 1045 with tyrosine.
Molecular consequence: missense variant.
Genome position (GRCh38, 1-based): chr1:237,550,611, C>A. VCF-style: chr1-237550611-C-A. GRCh37 (hg19) VCF-style: chr1-237713911-C-A.
Other names: short protein forms S1045Y.
Identifiers: ClinVar variation 3232390 (VCV003232390.2), dbSNP rs2546297243, ClinGen allele CA345394836.
Genomic context (GRCh38, chr1:237,550,611, plus strand): 5'-AGAACAGAAGAAATCCTCGCCTTGTTCCCTACACTCTTCTGGATGACCGAACCAAGAAAT[C>A]CAACAAGGACAGCCTCCGCGAGGCTGTGCGCACGCTGCTGGGGTACGGCTACAACTTGGA-3'
Protein context (NP_001026.2, residues 1035-1055): YTLLDDRTKK[Ser1045Tyr]NKDSLREAVR

ClinVar aggregate classification (germline): Uncertain significance. Review status: criteria provided, multiple submitters, no conflicts (2 of 4 stars). 2 submissions from 2 submitters: Uncertain significance (2). Last evaluated 2026-01-06.

Conditions:
Cardiovascular phenotype. Identifiers: MedGen CN230736.
Catecholaminergic polymorphic ventricular tachycardia 1. Also called: VENTRICULAR TACHYCARDIA, CATECHOLAMINERGIC POLYMORPHIC, 1, WITH OR WITHOUT ATRIAL DYSFUNCTION AND/OR DILATED CARDIOMYOPATHY; VENTRICULAR TACHYCARDIA, STRESS-INDUCED POLYMORPHIC 1; RYR2-Related Catecholaminergic Polymorphic Ventricular Tachycardia. Identifiers: Orphanet 3286, MedGen C1631597, MONDO:0011484, OMIM 604772.

Submissions (2):

Labcorp Genetics (formerly Invitae), Labcorp
Classification: Uncertain significance for Catecholaminergic polymorphic ventricular tachycardia 1. Last evaluated: 2026-01-06. Review status: criteria provided, single submitter. Criteria: Invitae Variant Classification Sherloc (09022015). Collection method: clinical testing. Allele origin: germline.
Comment: This sequence change replaces serine, which is neutral and polar, with tyrosine, which is neutral and polar, at codon 1045 of the RYR2 protein (p.Ser1045Tyr). This variant is not present in population databases (gnomAD no frequency). This variant has not been reported in the literature in individuals affected with RYR2-related conditions. ClinVar contains an entry for this variant (Variation ID: 3232390). Invitae Evidence Modeling of protein sequence and biophysical properties (such as structural, functional, and spatial information, amino acid conservation, physicochemical variation, residue mobility, and thermodynamic stability) indicates that this missense variant is not expected to disrupt RYR2 protein function with a negative predictive value of 95%. In summary, the available evidence is currently insufficient to determine the role of this variant in disease. Therefore, it has been classified as a Variant of Uncertain Significance.

Ambry Genetics
Classification: Uncertain significance for Cardiovascular phenotype. Last evaluated: 2023-11-03. Review status: criteria provided, single submitter. Criteria: Ambry Variant Classification Scheme 2023. Collection method: clinical testing. Allele origin: germline.
Comment: The p.S1045Y variant (also known as c.3134C>A), located in coding exon 27 of the RYR2 gene, results from a C to A substitution at nucleotide position 3134. The serine at codon 1045 is replaced by tyrosine, an amino acid with dissimilar properties. This amino acid position is well conserved in available vertebrate species. In addition, the in silico prediction for this alteration is inconclusive. Since supporting evidence is limited at this time, the clinical significance of this alteration remains unclear.